The following is an entry in ClinVar:

ClinVar aggregate classification (germline): Uncertain significance (1 of 4 stars; one submission).

Submission:

Labcorp Genetics (formerly Invitae), Labcorp
Classification: Uncertain significance. Last evaluated: 2024-04-25. Review status: criteria provided, single submitter. Criteria: Invitae Variant Classification Sherloc (09022015). Collection method: clinical testing. Allele origin: germline.
Comment: This sequence change creates a premature translational stop signal (p.Arg80*) in the FTH1 gene. It is expected to result in an absent or disrupted protein product. However, the current clinical and genetic evidence is not sufficient to establish whether loss-of-function variants in FTH1 cause disease. This variant is present in population databases (no rsID available, gnomAD no frequency). This variant has not been reported in the literature in individuals affected with FTH1-related conditions. In summary, the available evidence is currently insufficient to determine the role of this variant in disease. Therefore, it has been classified as a Variant of Uncertain Significance.

NM_002032.3(FTH1):c.238C>T (p.Arg80Ter)

Genes: BEST1 (bestrophin 1; plus strand), FTH1 (ferritin heavy chain 1; minus strand). Cytogenetic location: 11q12.3.
Variant type: single nucleotide variant.
Coding change: c.238C>T on transcript NM_002032.3 (MANE Select); coding-DNA position 238, C replaced by T.
Protein change: p.Arg80Ter; replaces arginine 80 with a stop codon.
Molecular consequence: nonsense.
Genome position (GRCh38, 1-based): chr11:61,965,392, G>A on the plus strand (C>T on the coding strand, the complement: FTH1 is on the minus strand). VCF-style: chr11-61965392-G-A. GRCh37 (hg19) VCF-style: chr11-61732864-G-A.
Other names: short protein forms R80*.
Identifiers: ClinVar variation 3650819 (VCV003650819.2).